The following is an entry in ClinVar:

NM_001379286.1(ZNF423):c.848C>T (p.Thr283Met)

Gene: ZNF423 (zinc finger protein 423; minus strand). Cytogenetic location: 16q12.1.
Variant type: single nucleotide variant.
Coding change: c.848C>T on transcript NM_001379286.1 (MANE Select); coding-DNA position 848, C replaced by T.
Protein change: p.Thr283Met; replaces threonine 283 with methionine.
Molecular consequence: missense variant.
Genome position (GRCh38, 1-based): chr16:49,638,328, G>A on the plus strand (C>T on the coding strand, the complement: ZNF423 is on the minus strand). VCF-style: chr16-49638328-G-A. GRCh37 (hg19) VCF-style: chr16-49672239-G-A.
Other names: c.824C>T (NM_015069.4, NM_015069.2); c.644C>T, p.Thr215Met (NM_001271620.2); c.473C>T, p.Thr158Met (NM_001330533.2); c.824C>T, p.Thr275Met (NM_015069.5); short protein forms T158M, T283M, T275M, T215M.
Identifiers: ClinVar variation 935410 (VCV000935410.12), dbSNP rs553506281, ClinGen allele CA8046810.

ClinVar aggregate classification (germline): Uncertain significance. Review status: criteria provided, multiple submitters, no conflicts (2 of 4 stars). 5 submissions from 5 submitters: Uncertain significance (4). 1 of the submissions does not count toward it. Last evaluated 2025-12-25.

Conditions:
Nephronophthisis 14 (NPHP14). Identifiers: Orphanet 2318, MedGen C3539071, MONDO:0013916, OMIM 614844.

Allele frequency attached by ClinVar (database versions not stated): gnomAD exomes 0.00003 and 0.00006; ExAC 0.00004; gnomAD 0.00004 and 0.00006; TOPMed 0.00004; 1000 Genomes Project 0.00020; 1000 Genomes Project 30x 0.00031.
gnomAD v4.1: 52 of 1,614,072 alleles (0.0032%); highest among the groups gnomAD compares: South Asian, 0.02%; no homozygotes.

Submissions (5):

Labcorp Genetics (formerly Invitae), Labcorp
Classification: Uncertain significance for Nephronophthisis 14. Last evaluated: 2025-12-25. Review status: criteria provided, single submitter. Criteria: Invitae Variant Classification Sherloc (09022015). Collection method: clinical testing. Allele origin: germline.
Comment: This sequence change replaces threonine, which is neutral and polar, with methionine, which is neutral and non-polar, at codon 275 of the ZNF423 protein (p.Thr275Met). The frequency data for this variant in the population databases is considered unreliable, as metrics indicate poor data quality at this position in the gnomAD database. This variant has not been reported in the literature in individuals affected with ZNF423-related conditions. ClinVar contains an entry for this variant (Variation ID: 935410). Invitae Evidence Modeling of protein sequence and biophysical properties (such as structural, functional, and spatial information, amino acid conservation, physicochemical variation, residue mobility, and thermodynamic stability) indicates that this missense variant is not expected to disrupt ZNF423 protein function with a negative predictive value of 80%. In summary, the available evidence is currently insufficient to determine the role of this variant in disease. Therefore, it has been classified as a Variant of Uncertain Significance.

Ambry Genetics
Classification: Uncertain significance. Last evaluated: 2025-10-23. Review status: criteria provided, single submitter. Criteria: Ambry Variant Classification Scheme 2023. Collection method: clinical testing. Allele origin: germline.

Blueprint Genetics
Classification: Uncertain significance. Last evaluated: 2024-04-22. Review status: criteria provided, single submitter. Criteria: ACMG Guidelines, 2015. Collection method: clinical testing. Allele origin: germline.

Neuberg Centre For Genomic Medicine, NCGM
Classification: Uncertain significance for Nephronophthisis 14. Last evaluated: 2023-02-14. Review status: criteria provided, single submitter. Criteria: ACMG Guidelines, 2015. Collection method: clinical testing. Allele origin: germline. Inheritance: Autosomal recessive inheritance. Affected: yes.

Genetics laboratory, Institute of Kidney Diseases & Research Centre Dr. H.L. Trivedi Institute Of Transplantation Sciences
Classification: Uncertain significance for Nephronophthisis 14. Last evaluated: 2024-05-11. Review status: no assertion criteria provided. Collection method: clinical testing. Allele origin: germline. Inheritance: Autosomal recessive inheritance. Affected: yes. Observed: 1 variant allele, 1 heterozygote. Not counted in ClinVar's aggregate classification.